The following is an entry in ClinVar:

ClinVar aggregate classification (germline): Likely benign. Review status: criteria provided, single submitter (1 of 4 stars). 2 submissions from 2 submitters: Likely benign (1). 1 of the submissions does not count toward it. Last evaluated 2023-11-15.

Conditions:
STAG2-related disorder. Also called: STAG2-Related Disorders.

Allele frequency attached by ClinVar (database versions not stated): gnomAD exomes below 0.00001 and 0.00001; TOPMed 0.00001; gnomAD 0.00003.
gnomAD v4.1: 7 of 1,208,931 alleles (0.00058%); highest among the groups gnomAD compares: Non-Finnish European, 0.00078%; no homozygotes.

Submissions (2):

Labcorp Genetics (formerly Invitae), Labcorp
Classification: Likely benign. Last evaluated: 2023-11-15. Review status: criteria provided, single submitter. Criteria: Invitae Variant Classification Sherloc (09022015). Collection method: clinical testing. Allele origin: germline.

PreventionGenetics, part of Exact Sciences
Classification: Likely benign for STAG2-related condition. Last evaluated: 2019-08-28. Review status: no assertion criteria provided. Collection method: clinical testing. Allele origin: germline. Not counted in ClinVar's aggregate classification.
Comment: This variant is classified as likely benign based on ACMG/AMP sequence variant interpretation guidelines (Richards et al. 2015 PMID: 25741868, with internal and published modifications).

NM_001042750.2(STAG2):c.1977T>C (p.Asp659=)

Gene: STAG2 (STAG2 cohesin complex component; plus strand). Cytogenetic location: Xq25.
Variant type: single nucleotide variant.
Coding change: c.1977T>C on transcript NM_001042750.2 (MANE Select); coding-DNA position 1977, T replaced by C.
Protein change: p.Asp659=; no amino-acid change (aspartic acid 659 retained).
Molecular consequence: synonymous variant.
Genome position (GRCh38, 1-based): chrX:124,064,003, T>C. VCF-style: chrX-124064003-T-C. GRCh37 (hg19) VCF-style: chrX-123197853-T-C.
Other names: c.1977T>C, p.Asp659= (NM_001042749.2, NM_001042751.2, NM_001282418.2 and 13 more transcripts).
Identifiers: ClinVar variation 1545176 (VCV001545176.10), dbSNP rs962117717, ClinGen allele CA335279431.